The following is an entry in ClinVar:

NM_000812.4(GABRB1):c.1084G>A (p.Asp362Asn)

Gene: GABRB1 (gamma-aminobutyric acid type A receptor subunit beta1; plus strand). Cytogenetic location: 4p12.
Variant type: single nucleotide variant.
Coding change: c.1084G>A on transcript NM_000812.4 (MANE Select); coding-DNA position 1084, G replaced by A.
Protein change: p.Asp362Asn; replaces aspartic acid 362 with asparagine.
Molecular consequence: missense variant.
Genome position (GRCh38, 1-based): chr4:47,425,677, G>A. VCF-style: chr4-47425677-G-A. GRCh37 (hg19) VCF-style: chr4-47427694-G-A.
Other names: short protein forms D362N.
Identifiers: ClinVar variation 2809015 (VCV002809015.3), dbSNP rs778079486, ClinGen allele CA2907753.

ClinVar aggregate classification (germline): Uncertain significance (1 of 4 stars; one submission).

Allele frequency attached by ClinVar (database versions not stated): ExAC 0.00001.
gnomAD v4.1: 2 of 1,592,164 alleles (0.00013%); highest among the groups gnomAD compares: African/African-American, 0.0013%; no homozygotes.

Submission:

Labcorp Genetics (formerly Invitae), Labcorp
Classification: Uncertain significance. Last evaluated: 2023-04-11. Review status: criteria provided, single submitter. Criteria: Invitae Variant Classification Sherloc (09022015). Collection method: clinical testing. Allele origin: germline.
Comment: In summary, the available evidence is currently insufficient to determine the role of this variant in disease. Therefore, it has been classified as a Variant of Uncertain Significance. Advanced modeling of protein sequence and biophysical properties (such as structural, functional, and spatial information, amino acid conservation, physicochemical variation, residue mobility, and thermodynamic stability) performed at Invitae indicates that this missense variant is not expected to disrupt GABRB1 protein function. This variant has not been reported in the literature in individuals affected with GABRB1-related conditions. This variant is present in population databases (rs778079486, gnomAD 0.007%). This sequence change replaces aspartic acid, which is acidic and polar, with asparagine, which is neutral and polar, at codon 362 of the GABRB1 protein (p.Asp362Asn).